The following is an entry in ClinVar:

NM_004006.3(DMD):c.6146C>G (p.Ser2049Ter)

Gene: DMD (dystrophin; minus strand). Cytogenetic location: Xp21.1.
Variant type: single nucleotide variant.
Coding change: c.6146C>G on transcript NM_004006.3 (MANE Select); coding-DNA position 6146, C replaced by G.
Protein change: p.Ser2049Ter; replaces serine 2049 with a stop codon.
Molecular consequence: nonsense.
Genome position (GRCh38, 1-based): chrX:32,287,673, G>C on the plus strand (C>G on the coding strand, the complement: DMD is on the minus strand). VCF-style: chrX-32287673-G-C. GRCh37 (hg19) VCF-style: chrX-32305790-G-C.
Other names: c.6122C>G, p.Ser2041Ter (NM_000109.4); c.6134C>G, p.Ser2045Ter (NM_004009.3); c.5777C>G, p.Ser1926Ter (NM_004010.3); c.2123C>G, p.Ser708Ter (NM_004011.4); c.2114C>G, p.Ser705Ter (NM_004012.4); short protein forms S1926*, S2041*, S2045*, S2049*, S705*, S708*.
Identifiers: ClinVar variation 1076848 (VCV001076848.8), dbSNP rs878911532, ClinGen allele CA328529829.

ClinVar aggregate classification (germline): Pathogenic. Review status: criteria provided, multiple submitters, no conflicts (2 of 4 stars). 2 submissions from 2 submitters: Pathogenic (2). Last evaluated 2025-03-17.

Conditions:
Duchenne muscular dystrophy (DMD). Also called: MUSCULAR DYSTROPHY, PSEUDOHYPERTROPHIC PROGRESSIVE, DUCHENNE TYPE; Duchenne Muscular Dystrophy (DMD). Identifiers: Orphanet 98896, MedGen C0013264, MONDO:0010679, OMIM 310200.

Submissions (2):

Dasa
Classification: Pathogenic. Last evaluated: 2025-03-17. Review status: criteria provided, single submitter. Criteria: DASA Assertion Criteria. Collection method: clinical testing. Allele origin: germline.
Comment: NM_004006.3(DMD):c.6146C>G (p.Ser2049*) introduces a premature termination codon predicted to result in loss of normal protein function. Loss-of-function is an established mechanism of disease for this gene. This variant has been reported in individuals with related phenotype. The variant is present at low frequency in population datasets. Based on the available data, this variant is classified as pathogenic.

Labcorp Genetics (formerly Invitae), Labcorp
Classification: Pathogenic for Duchenne muscular dystrophy. Last evaluated: 2020-04-30. Review status: criteria provided, single submitter. Criteria: Invitae Variant Classification Sherloc (09022015). Collection method: clinical testing. Allele origin: germline.
Comment: This sequence change creates a premature translational stop signal (p.Ser2049*) in the DMD gene. It is expected to result in an absent or disrupted protein product. This variant is not present in population databases (ExAC no frequency). This variant has not been reported in the literature in individuals with DMD-related conditions. Loss-of-function variants in DMD are known to be pathogenic (PMID: 16770791, 25007885). For these reasons, this variant has been classified as Pathogenic.

Literature cited by the submitters: PubMed 16770791 (cited by Labcorp Genetics (formerly Invitae), Labcorp); PubMed 25007885 (cited by Labcorp Genetics (formerly Invitae), Labcorp).